The following is an entry in ClinVar:

NM_139058.3(ARX):c.30C>A (p.Cys10Ter)

Gene: ARX (aristaless related homeobox; minus strand). Cytogenetic location: Xp21.3.
Variant type: single nucleotide variant.
Coding change: c.30C>A on transcript NM_139058.3 (MANE Select); coding-DNA position 30, C replaced by A.
Protein change: p.Cys10Ter; replaces cysteine 10 with a stop codon.
Molecular consequence: nonsense.
Genome position (GRCh38, 1-based): chrX:25,015,708, G>T on the plus strand (C>A on the coding strand, the complement: ARX is on the minus strand). VCF-style: chrX-25015708-G-T. GRCh37 (hg19) VCF-style: chrX-25033825-G-T.
Other names: short protein forms C10*.
Identifiers: ClinVar variation 193494 (VCV000193494.7), dbSNP rs794726959, ClinGen allele CA200619.

ClinVar aggregate classification (germline): Pathogenic/Likely pathogenic. Review status: criteria provided, multiple submitters, no conflicts (2 of 4 stars). 2 submissions from 2 submitters: Pathogenic (1); Likely pathogenic (1). Last evaluated 2021-05-28.

Submissions (2):

Laboratorio de Genetica e Diagnostico Molecular, Hospital Israelita Albert Einstein
Classification: Likely pathogenic. Last evaluated: 2021-05-28. Review status: criteria provided, single submitter. Criteria: ACMG Guidelines, 2015. Collection method: clinical testing. Allele origin: germline. Affected: yes.
Comment: ACMG classification criteria: PVS1, PM2

Eurofins Ntd Llc (ga)
Classification: Pathogenic. Last evaluated: 2015-01-22. Review status: criteria provided, single submitter. Criteria: EGL Classification Definitions 2015. Collection method: clinical testing. Allele origin: germline. Observed: 2 variant alleles, 1 heterozygote, 1 hemizygote.